The following is an entry in ClinVar:

NM_007294.4(BRCA1):c.5557T>A (p.Tyr1853Asn)

Gene: BRCA1 (BRCA1 DNA repair associated; minus strand). Cytogenetic location: 17q21.31.
Variant type: single nucleotide variant.
Coding change: c.5557T>A on transcript NM_007294.4 (MANE Select); coding-DNA position 5557, T replaced by A.
Protein change: p.Tyr1853Asn; replaces tyrosine 1853 with asparagine.
Molecular consequence: missense variant. On other transcripts: 3 prime UTR variant (1), non-coding transcript variant (1).
Genome position (GRCh38, 1-based): chr17:43,045,713, A>T on the plus strand (T>A on the coding strand, the complement: BRCA1 is on the minus strand). VCF-style: chr17-43045713-A-T. GRCh37 (hg19) VCF-style: chr17-41197730-A-T.
Other names: NM_007294.4(BRCA1):c.5557T>A; c.5344T>A, p.Tyr1782Asn (NM_001407571.1, NM_001407904.1, NM_001407906.1 and 12 more transcripts); c.5623T>A, p.Tyr1875Asn (NM_001407581.1, NM_001407582.1); c.5620T>A, p.Tyr1874Asn (NM_001407583.1, NM_001407585.1, NM_001407587.1 and 1 more transcripts); c.5617T>A, p.Tyr1873Asn (NM_001407590.1, NM_001407591.1); c.5557T>A, p.Tyr1853Asn (NM_001407593.1, NM_001407594.1, NM_001407596.1 and 5 more transcripts); c.5554T>A, p.Tyr1852Asn (NM_001407610.1, NM_001407611.1, NM_001407612.1 and 14 more transcripts); c.5551T>A, p.Tyr1851Asn (NM_001407630.1, NM_001407631.1, NM_001407632.1 and 13 more transcripts); and 75 more; short protein forms Y1853N, Y1806N, Y1874N, Y749N, Y1740N, Y1742N, Y1784N, Y1785N.
Identifiers: ClinVar variation 433738 (VCV000433738.17), dbSNP rs2050860958, ClinGen allele CA10590209.

ClinVar aggregate classification (germline): Likely pathogenic. Review status: reviewed by expert panel (3 of 4 stars). 4 submissions from 4 submitters: Likely pathogenic (1). 3 of the submissions do not count toward it. Last evaluated 2026-07-15.

Conditions:
Hereditary breast ovarian cancer syndrome. Also called: Hereditary breast and ovarian cancer syndrome (HBOC); BRCA1- and BRCA2-Associated Hereditary Breast and Ovarian Cancer; Hereditary breast and/or ovarian cancer syndrome; Hereditary breast and ovarian cancer syndrome; Hereditary breast and ovarian cancer; Breast and ovarian cancer. Identifiers: Orphanet 145, MedGen C0677776, MeSH D061325, MONDO:0003582. Disease mechanism: loss of function.
BRCA1-related cancer predisposition. Identifiers: MedGen CN377757, MONDO:0700268.

Submissions (5):

ClinGen ENIGMA BRCA1 and BRCA2 Variant Curation Expert Panel, ClinGen
Classification: Likely pathogenic for BRCA1-related cancer predisposition. Last evaluated: 2026-07-15. Review status: reviewed by expert panel. Criteria: CSpec BRCA1/2ACMG Rules Specifications V1.2. Collection method: curation. Allele origin: germline. Inheritance: Autosomal dominant inheritance.
Comment: The c.5557T>A variant in BRCA1 is a missense variant predicted to cause substitution of Tyrosine by Asparagine at amino acid 1853 (p.(Tyr1853Asn)). This variant is absent from gnomAD v4.1 (read depth ≥25x in >90% samples, PM2_Supporting met). This BRCA1 missense variant is within a key functional domain and a SpliceAI score of 0 predicts no impact on splicing (score threshold ≤0.1). The computational predictor BayesDel (noAF) gives a score of 0.48, above the recommended threshold of 0.28 for prediction of impact on BRCA1 function via protein change (PP3 met). Reported by one calibrated study to exhibit protein function similar to pathogenic control variants (PMID: 30209399) (PS3 met). In summary, this variant meets the criteria to be classified as a Likely pathogenic variant for BRCA1-related cancer predisposition based on the ACMG/AMP criteria applied as specified by the ENIGMA BRCA1/2 VCEP (v1.2) (PM2_Supporting, PP3, PS3).

Labcorp Genetics (formerly Invitae), Labcorp
Classification: Likely pathogenic for Hereditary breast ovarian cancer syndrome. Last evaluated: 2026-01-14. Review status: criteria provided, single submitter. Criteria: Invitae Variant Classification Sherloc (09022015). Collection method: clinical testing. Allele origin: germline. Not counted in ClinVar's aggregate classification.
Comment: This sequence change replaces tyrosine, which is neutral and polar, with asparagine, which is neutral and polar, at codon 1853 of the BRCA1 protein (p.Tyr1853Asn). This variant is not present in population databases (gnomAD no frequency). This missense change has been observed in individual(s) with an indication of breast and/or ovarian cancer (PMID: 29470806). ClinVar contains an entry for this variant (Variation ID: 433738). Invitae Evidence Modeling incorporating data from in vitro experimental studies (PMID: 30209399) indicates that this missense variant is expected to disrupt BRCA1 function with a positive predictive value of 95%. Experimental studies have shown that this missense change affects BRCA1 function (PMID: 30209399). This variant disrupts the p.Tyr1853 amino acid residue in BRCA1. Other variant(s) that disrupt this residue have been determined to be pathogenic (PMID: 20378548, 20516115, 23842040, 29176636, 30287823). This suggests that this residue is clinically significant, and that variants that disrupt this residue are likely to be disease-causing. In summary, the currently available evidence indicates that the variant is pathogenic, but additional data are needed to prove that conclusively. Therefore, this variant has been classified as Likely Pathogenic.

Women's Health and Genetics/Laboratory Corporation of America, LabCorp
Classification: Likely pathogenic for Hereditary breast ovarian cancer syndrome. Last evaluated: 2023-10-30. Review status: criteria provided, single submitter. Criteria: LabCorp Variant Classification Summary - May 2015. Collection method: clinical testing. Allele origin: germline. Not counted in ClinVar's aggregate classification.
Comment: Variant summary: BRCA1 c.5557T>A (p.Tyr1853Asn) results in a non-conservative amino acid change located in the BRCT domain (IPR001357) of the encoded protein sequence. Five of five in-silico tools predict a damaging effect of the variant on protein function. The variant was absent in 250818 control chromosomes. c.5557T>A has been reported in the literature as a VUS within the settings of multigene panel testing in a cohort of over 1000 Indian patients affected with Hereditary Breast and/or Ovarian Cancer (example, Singh_2018). This reports does not provide unequivocal conclusions about association of the variant with Hereditary Breast And Ovarian Cancer Syndrome. At least one publication reports experimental evidence evaluating an impact on protein function. The most pronounced variant effect results in loss of homology directed repair (HDR) activity (example, Findlay_2018). Of note, other missense variants at the same codon, namely p.Tyr1853His and p.Tyr1853Asp were also reported to be loss of function in this study. Furthermore, at-least one additional variant located at the same codon, c.5558A>G (p.Tyr1853Cys) has been classified as pathogenic at our laboratory suggesting the relevance of this codon to overall functionality. HDR assays qualify as a recognized gold standard on the basis of updated guidance provided by the ClinGen Sequence Variant Interpretation (SVI) working group. This working group has recommended strong functional evidence (ACMG PS3) as sufficient weightage for categorization as likely pathogenic (Tavtigian_2018). The following publications have been ascertained in the context of this evaluation (PMID: 30209399, 29470806, 32257056). One submitter has cited clinical-significance assessments for this variant to ClinVar after 2014 and has classified the variant as likely pathogenic citing overlapping evidence utilized in the context of this evaluation. Until additional clinical reports further corroborating the directionality of evidence outlined above are identified, the variant was classified as likely pathogenic.

Brotman Baty Institute, University of Washington
No classification provided (evidence only). Condition: Breast-ovarian cancer, familial 1. Review status: no classification provided. Collection method: in vitro. Allele origin: not applicable. Functional consequence: functionally_abnormal. Not counted in ClinVar's aggregate classification.
ClinVar note: "not provided" was previously submitted as the classification for the variant. However, the classification appeared to be based only on an observation of functional data so it was converted to no classification on 2025-07-30.

Department of Pathology and Laboratory Medicine, Sinai Health System
Classification: Uncertain significance. Review status: no assertion criteria provided. Collection method: clinical testing. Allele origin: unknown. Affected: yes. Observed: 7 variant alleles. Study: The Canadian Open Genetics Repository (COGR). Not counted in ClinVar's aggregate classification.

Literature cited by the submitters: PubMed 29470806 (cited by Labcorp Genetics (formerly Invitae), Labcorp and Women's Health and Genetics/Laboratory Corporation of America, LabCorp); PubMed 30209399 (cited by Labcorp Genetics (formerly Invitae), Labcorp and Women's Health and Genetics/Laboratory Corporation of America, LabCorp); PubMed 20378548 (cited by Labcorp Genetics (formerly Invitae), Labcorp); PubMed 20516115 (cited by Labcorp Genetics (formerly Invitae), Labcorp); PubMed 23842040 (cited by Labcorp Genetics (formerly Invitae), Labcorp); PubMed 29176636 (cited by Labcorp Genetics (formerly Invitae), Labcorp); PubMed 30287823 (cited by Labcorp Genetics (formerly Invitae), Labcorp); PubMed 32257056 (cited by Women's Health and Genetics/Laboratory Corporation of America, LabCorp).